The following is an entry in ClinVar:

ClinVar aggregate classification (germline): Uncertain significance (1 of 4 stars; one submission).

Submission:

Labcorp Genetics (formerly Invitae), Labcorp
Classification: Uncertain significance. Last evaluated: 2024-03-07. Review status: criteria provided, single submitter. Criteria: Invitae Variant Classification Sherloc (09022015). Collection method: clinical testing. Allele origin: germline.
Comment: This sequence change replaces proline, which is neutral and non-polar, with alanine, which is neutral and non-polar, at codon 665 of the C3 protein (p.Pro665Ala). This variant is not present in population databases (gnomAD no frequency). This variant has not been reported in the literature in individuals affected with C3-related conditions. Advanced modeling of protein sequence and biophysical properties (such as structural, functional, and spatial information, amino acid conservation, physicochemical variation, residue mobility, and thermodynamic stability) performed at Invitae indicates that this missense variant is not expected to disrupt C3 protein function with a negative predictive value of 80%. In summary, the available evidence is currently insufficient to determine the role of this variant in disease. Therefore, it has been classified as a Variant of Uncertain Significance.

NM_000064.4(C3):c.1993C>G (p.Pro665Ala)

Gene: C3 (complement C3; minus strand). Cytogenetic location: 19p13.3.
Variant type: single nucleotide variant.
Coding change: c.1993C>G on transcript NM_000064.4 (MANE Select); coding-DNA position 1993, C replaced by G.
Protein change: p.Pro665Ala; replaces proline 665 with alanine.
Molecular consequence: missense variant.
Genome position (GRCh38, 1-based): chr19:6,707,520, G>C on the plus strand (C>G on the coding strand, the complement: C3 is on the minus strand). VCF-style: chr19-6707520-G-C. GRCh37 (hg19) VCF-style: chr19-6707531-G-C.
Other names: short protein forms P665A.
Identifiers: ClinVar variation 3645073 (VCV003645073.2).